The following is an entry in ClinVar:

ClinVar aggregate classification (germline): Uncertain significance. Review status: criteria provided, multiple submitters, no conflicts (2 of 4 stars). 2 submissions from 2 submitters: Uncertain significance (2). Last evaluated 2024-03-17.

Conditions:
Ataxia-telangiectasia syndrome (AT). Also called: Ataxia telangiectasia (A-T); LOUIS-BAR SYNDROME; Cerebello-oculocutaneous telangiectasia; Immunodeficiency with ataxia telangiectasia; Ataxia-telangiectasia, complementation group D; AT, COMPLEMENTATION GROUP C. Identifiers: Orphanet 100, MedGen C0004135, MONDO:0008840, OMIM 208900.
Hereditary cancer-predisposing syndrome. Also called: Hereditary neoplastic syndrome; Neoplastic Syndromes, Hereditary; Tumor predisposition; Hereditary Cancer Syndrome. Identifiers: Orphanet 140162, MedGen C0027672, MeSH D009386, MONDO:0015356.

Submissions (2):

Labcorp Genetics (formerly Invitae), Labcorp
Classification: Uncertain significance for Ataxia-telangiectasia syndrome. Last evaluated: 2024-03-17. Review status: criteria provided, single submitter. Criteria: Invitae Variant Classification Sherloc (09022015). Collection method: clinical testing. Allele origin: germline.
Comment: This sequence change replaces valine, which is neutral and non-polar, with isoleucine, which is neutral and non-polar, at codon 2424 of the ATM protein (p.Val2424Ile). This variant is not present in population databases (gnomAD no frequency). This variant has not been reported in the literature in individuals affected with ATM-related conditions. ClinVar contains an entry for this variant (Variation ID: 1758016). An algorithm developed to predict the effect of missense changes on protein structure and function (PolyPhen-2) suggests that this variant is likely to be tolerated. This variant disrupts the p.Val2424 amino acid residue in ATM. Other variant(s) that disrupt this residue have been determined to be pathogenic (PMID: 8755918, 9463314, 11382771, 11830610, 16958054, 18575927, 18634022, 19431188, 19781682, 21787400, 24733792, 26506520). This suggests that this residue is clinically significant, and that variants that disrupt this residue are likely to be disease-causing. In summary, the available evidence is currently insufficient to determine the role of this variant in disease. Therefore, it has been classified as a Variant of Uncertain Significance.

Ambry Genetics
Classification: Uncertain significance for Hereditary cancer-predisposing syndrome. Last evaluated: 2022-05-11. Review status: criteria provided, single submitter. Criteria: Ambry Variant Classification Scheme 2023. Collection method: clinical testing. Allele origin: germline.
Comment: The p.V2424I variant (also known as c.7270G>A), located in coding exon 48 of the ATM gene, results from a G to A substitution at nucleotide position 7270. The valine at codon 2424 is replaced by isoleucine, an amino acid with highly similar properties. This amino acid position is highly conserved in available vertebrate species. In addition, the in silico prediction for this alteration is inconclusive. Since supporting evidence is limited at this time, the clinical significance of this alteration remains unclear.

Literature cited by the submitters: PubMed 8755918 (cited by Labcorp Genetics (formerly Invitae), Labcorp); PubMed 9463314 (cited by Labcorp Genetics (formerly Invitae), Labcorp); PubMed 11382771 (cited by Labcorp Genetics (formerly Invitae), Labcorp); PubMed 11830610 (cited by Labcorp Genetics (formerly Invitae), Labcorp); PubMed 16958054 (cited by Labcorp Genetics (formerly Invitae), Labcorp); PubMed 18575927 (cited by Labcorp Genetics (formerly Invitae), Labcorp); PubMed 18634022 (cited by Labcorp Genetics (formerly Invitae), Labcorp); PubMed 19431188 (cited by Labcorp Genetics (formerly Invitae), Labcorp); PubMed 19781682 (cited by Labcorp Genetics (formerly Invitae), Labcorp); PubMed 21787400 (cited by Labcorp Genetics (formerly Invitae), Labcorp); PubMed 24733792 (cited by Labcorp Genetics (formerly Invitae), Labcorp); PubMed 26506520 (cited by Labcorp Genetics (formerly Invitae), Labcorp).

NM_000051.4(ATM):c.7270G>A (p.Val2424Ile)

Genes: ATM (ATM serine/threonine kinase; plus strand), C11orf65 (chromosome 11 open reading frame 65; minus strand). Cytogenetic location: 11q22.3.
Variant type: single nucleotide variant.
Coding change: c.7270G>A on transcript NM_000051.4 (MANE Select); coding-DNA position 7270, G replaced by A.
Protein change: p.Val2424Ile; replaces valine 2424 with isoleucine.
Molecular consequence: missense variant. On other transcripts: intron variant (2).
Genome position (GRCh38, 1-based): chr11:108,329,201, G>A. VCF-style: chr11-108329201-G-A. GRCh37 (hg19) VCF-style: chr11-108199928-G-A.
Other names: c.7270G>A, p.Val2424Ile (NM_001351834.2); c.641-20130C>T (NM_001330368.2); c.*38+6019C>T (NM_001351110.2); short protein forms V2424I.
Identifiers: ClinVar variation 1758016 (VCV001758016.4), dbSNP rs2136421774, ClinGen allele CA382559767.